The following is an entry in ClinVar:

NM_152381.6(XIRP2):c.2541C>A (p.Thr847=)

Gene: XIRP2 (xin actin binding repeat containing 2; plus strand). Cytogenetic location: 2q24.3.
Variant type: single nucleotide variant.
Coding change: c.2541C>A on transcript NM_152381.6 (MANE Select); coding-DNA position 2541, C replaced by A.
Protein change: p.Thr847=; no amino-acid change (threonine 847 retained).
Molecular consequence: synonymous variant. On other transcripts: intron variant (3).
Genome position (GRCh38, 1-based): chr2:167,243,933, C>A. VCF-style: chr2-167243933-C-A. GRCh37 (hg19) VCF-style: chr2-168100443-C-A.
Other names: c.1875C>A, p.Thr625= (NM_001199144.2); c.1275+2023C>A (NM_001199143.2); c.1176+2023C>A (NM_001079810.4); c.510+2023C>A (NM_001199145.2).
Identifiers: ClinVar variation 3059180 (VCV003059180.2), dbSNP rs16853307, ClinGen allele CA1946688.
Genomic context (GRCh38, chr2:167,243,933, plus strand): 5'-CATTGAAAAGGAAAAAATAATAGGTACAGATGTCTCCAGAAAGTGTTGGATGTTTGAAAC[C>A]CAGCCATTAGACATTCTAAAAGAAGTTCCTGATGCAGATTCTCTACAACGTGAGGAGATA-3'
Protein context (NP_689594.4, residues 837-857): DVSRKCWMFE[Thr847=]QPLDILKEVP

ClinVar aggregate classification (germline): Benign (0 of 4 stars; one submission).

Conditions:
XIRP2-related disorder. Also called: XIRP2-related condition.

Allele frequency attached by ClinVar (database versions not stated): gnomAD exomes 0.05323; ESP Exome Variant Server 0.05670; ExAC 0.06043; TOPMed 0.06143; gnomAD 0.06310; 1000 Genomes Project 30x 0.08760; 1000 Genomes Project 0.09105.
gnomAD v4.1: 87,373 of 1,613,758 alleles (5.4%); highest among the groups gnomAD compares: East Asian, 14%; 2,787 homozygotes.

Submission:

PreventionGenetics, part of Exact Sciences
Classification: Benign for XIRP2-related condition. Last evaluated: 2021-05-26. Review status: no assertion criteria provided. Collection method: clinical testing. Allele origin: germline.
Comment: This variant is classified as benign based on ACMG/AMP sequence variant interpretation guidelines (Richards et al. 2015 PMID: 25741868, with internal and published modifications).